The following is an entry in ClinVar:

ClinVar aggregate classification (germline): Uncertain significance (1 of 4 stars; one submission).

Allele frequency attached by ClinVar (database versions not stated): gnomAD exomes below 0.00001; TOPMed below 0.00001; ExAC 0.00001.

Submission:

Labcorp Genetics (formerly Invitae), Labcorp
Classification: Uncertain significance. Last evaluated: 2023-08-04. Review status: criteria provided, single submitter. Criteria: Invitae Variant Classification Sherloc (09022015). Collection method: clinical testing. Allele origin: germline.
Comment: This variant has not been reported in the literature in individuals affected with SIN3A-related conditions. In summary, the available evidence is currently insufficient to determine the role of this variant in disease. Therefore, it has been classified as a Variant of Uncertain Significance. Advanced modeling of protein sequence and biophysical properties (such as structural, functional, and spatial information, amino acid conservation, physicochemical variation, residue mobility, and thermodynamic stability) performed at Invitae indicates that this missense variant is not expected to disrupt SIN3A protein function. This variant is present in population databases (rs773808088, gnomAD 0.003%). This sequence change replaces arginine, which is basic and polar, with tryptophan, which is neutral and slightly polar, at codon 475 of the SIN3A protein (p.Arg475Trp).

NM_001145358.2(SIN3A):c.1423C>T (p.Arg475Trp)

Gene: SIN3A (SIN3 transcription regulator family member A; minus strand). Cytogenetic location: 15q24.2.
Variant type: single nucleotide variant.
Coding change: c.1423C>T on transcript NM_001145358.2 (MANE Select); coding-DNA position 1423, C replaced by T.
Protein change: p.Arg475Trp; replaces arginine 475 with tryptophan.
Molecular consequence: missense variant.
Genome position (GRCh38, 1-based): chr15:75,401,955, G>A on the plus strand (C>T on the coding strand, the complement: SIN3A is on the minus strand). VCF-style: chr15-75401955-G-A. GRCh37 (hg19) VCF-style: chr15-75694296-G-A.
Other names: c.1423C>T, p.Arg475Trp (NM_015477.3, NM_001145357.2); short protein forms R475W.
Identifiers: ClinVar variation 2878207 (VCV002878207.3), dbSNP rs773808088, ClinGen allele CA7667639.
Genomic context (GRCh38, chr15:75,401,955, plus strand): 5'-TCACCTCCTGGTTAAAAATAACAAGACAGCGTAGGAAATTTTCGTAGGCTTCTGCACTCC[G>A]AAGAGCCTTTCGGACCTTATGGAGACAACGGGAAGAAAAACAGTTTTTGTTTTTCTTAAA-3'
Protein context (NP_001138830.1, residues 465-485): LFFDKVRKAL[Arg475Trp]SAEAYENFLR